The following is an entry in ClinVar:

NM_001042492.3(NF1):c.2435T>C (p.Ile812Thr)

Gene: NF1 (neurofibromin 1; plus strand). Cytogenetic location: 17q11.2.
Variant type: single nucleotide variant.
Coding change: c.2435T>C on transcript NM_001042492.3 (MANE Select); coding-DNA position 2435, T replaced by C.
Protein change: p.Ile812Thr; replaces isoleucine 812 with threonine.
Molecular consequence: missense variant.
Genome position (GRCh38, 1-based): chr17:31,229,050, T>C. VCF-style: chr17-31229050-T-C. GRCh37 (hg19) VCF-style: chr17-29556068-T-C.
Other names: c.2435T>C, p.Ile812Thr (NM_000267.4); short protein forms I812T.
Identifiers: ClinVar variation 3676265 (VCV003676265.3).
Genomic context (GRCh38, chr17:31,229,050, plus strand): 5'-TTAATTCATGCTTTGCACAAAAATTTTGTGTTTAGGCTGCTGAAAGCCTTCACAAGACCA[T>C]TGTTAAGAGGCGAATGTCCCATGTGAGTGGAGGAGGATCCATAGATTTGTCTGACACAGA-3'
Protein context (NP_001035957.1, residues 802-822): GQAAESLHKT[Ile812Thr]VKRRMSHVSG

ClinVar aggregate classification (germline): Uncertain significance. Review status: criteria provided, multiple submitters, no conflicts (2 of 4 stars). 2 submissions from 2 submitters: Uncertain significance (2). Last evaluated 2025-08-08.

Conditions:
Cardiovascular phenotype. Identifiers: MedGen CN230736.
Hereditary cancer-predisposing syndrome. Also called: Hereditary Cancer Syndrome; Tumor predisposition; Hereditary neoplastic syndrome; Neoplastic Syndromes, Hereditary. Identifiers: Orphanet 140162, MedGen C0027672, MeSH D009386, MONDO:0015356.
Neurofibromatosis, type 1 (NF1). Also called: VON RECKLINGHAUSEN DISEASE; NEUROFIBROMATOSIS, TYPE I, SOMATIC; Neurofibromatosis, type I; Peripheral type neurofibromatosis. Identifiers: Orphanet 636, MedGen C0027831, MONDO:0018975, OMIM 162200. Disease mechanism: loss of function.

Submissions (2):

Ambry Genetics
Classification: Uncertain significance for Cardiovascular phenotype; Hereditary cancer-predisposing syndrome. Last evaluated: 2025-08-08. Review status: criteria provided, single submitter. Criteria: Ambry Variant Classification Scheme 2023. Collection method: clinical testing. Allele origin: germline.
Comment: The p.I812T variant (also known as c.2435T>C), located in coding exon 21 of the NF1 gene, results from a T to C substitution at nucleotide position 2435. The isoleucine at codon 812 is replaced by threonine, an amino acid with similar properties. This amino acid position is conserved. In addition, the in silico prediction for this alteration is inconclusive. Based on the available evidence, the clinical significance of this variant remains unclear.

Labcorp Genetics (formerly Invitae), Labcorp
Classification: Uncertain significance for Neurofibromatosis, type 1. Last evaluated: 2024-05-31. Review status: criteria provided, single submitter. Criteria: Invitae Variant Classification Sherloc (09022015). Collection method: clinical testing. Allele origin: germline.
Comment: This sequence change replaces isoleucine, which is neutral and non-polar, with threonine, which is neutral and polar, at codon 812 of the NF1 protein (p.Ile812Thr). This variant is not present in population databases (gnomAD no frequency). This variant has not been reported in the literature in individuals affected with NF1-related conditions. Advanced modeling of protein sequence and biophysical properties (such as structural, functional, and spatial information, amino acid conservation, physicochemical variation, residue mobility, and thermodynamic stability) performed at Invitae indicates that this missense variant is not expected to disrupt NF1 protein function with a negative predictive value of 95%. In summary, the available evidence is currently insufficient to determine the role of this variant in disease. Therefore, it has been classified as a Variant of Uncertain Significance.